The following is an entry in ClinVar:

ClinVar aggregate classification (germline): Uncertain significance. Review status: criteria provided, multiple submitters, no conflicts (2 of 4 stars). 4 submissions from 4 submitters: Uncertain significance (4). Last evaluated 2025-08-01.

Conditions:
Inborn genetic diseases. Identifiers: MedGen C0950123, MeSH D030342.
L1CAM-related disorder. Also called: L1CAM-related condition.
Spastic paraplegia. Identifiers: MedGen C0037772, HP:0001258.

Allele frequency attached by ClinVar (database versions not stated): gnomAD exomes below 0.00001; TOPMed below 0.00001.
gnomAD v4.1: 2 of 1,212,096 alleles (0.00017%); highest among the groups gnomAD compares: Non-Finnish European, 0.00022%; no homozygotes.

Submissions (4):

Ambry Genetics
Classification: Uncertain significance for Inborn genetic diseases. Last evaluated: 2025-08-01. Review status: criteria provided, single submitter. Criteria: Ambry Variant Classification Scheme 2023. Collection method: clinical testing. Allele origin: germline.

Daryl Scott Lab, Baylor College of Medicine
Classification: Uncertain significance for L1CAM-related disorder. Last evaluated: 2024-01-01. Review status: criteria provided, single submitter. Criteria: ACMG Guidelines, 2015. Collection method: clinical testing. Allele origin: maternal. Observed: 1 hemizygote.
Comment: PM2

GeneDx
Classification: Uncertain significance. Last evaluated: 2023-05-10. Review status: criteria provided, single submitter. Criteria: GeneDx Variant Classification Process June 2021. Collection method: clinical testing. Allele origin: germline. Affected: yes.
Comment: In silico analysis supports that this missense variant does not alter protein structure/function; Has not been previously published as pathogenic or benign to our knowledge

Labcorp Genetics (formerly Invitae), Labcorp
Classification: Uncertain significance for Spastic paraplegia. Last evaluated: 2021-09-01. Review status: criteria provided, single submitter. Criteria: Invitae Variant Classification Sherloc (09022015). Collection method: clinical testing. Allele origin: germline.
Comment: This sequence change replaces leucine with phenylalanine at codon 560 of the L1CAM protein (p.Leu560Phe). The leucine residue is moderately conserved and there is a small physicochemical difference between leucine and phenylalanine. This variant is not present in population databases (ExAC no frequency). This variant has not been reported in the literature in individuals affected with L1CAM-related conditions. Algorithms developed to predict the effect of missense changes on protein structure and function are either unavailable or do not agree on the potential impact of this missense change (SIFT: "Tolerated"; PolyPhen-2: "Probably Damaging"; Align-GVGD: "Class C0"). In summary, the available evidence is currently insufficient to determine the role of this variant in disease. Therefore, it has been classified as a Variant of Uncertain Significance.

NM_001278116.2(L1CAM):c.1678C>T (p.Leu560Phe)

Gene: L1CAM (L1 cell adhesion molecule; minus strand). Cytogenetic location: Xq28.
Variant type: single nucleotide variant.
Coding change: c.1678C>T on transcript NM_001278116.2 (MANE Select); coding-DNA position 1678, C replaced by T.
Protein change: p.Leu560Phe; replaces leucine 560 with phenylalanine.
Molecular consequence: missense variant.
Genome position (GRCh38, 1-based): chrX:153,868,327, G>A on the plus strand (C>T on the coding strand, the complement: L1CAM is on the minus strand). VCF-style: chrX-153868327-G-A. GRCh37 (hg19) VCF-style: chrX-153133782-G-A.
Other names: c.1678C>T, p.Leu560Phe (NM_000425.5, NM_024003.3); c.1663C>T, p.Leu555Phe (NM_001143963.2); c.1678C>T (NM_000425.3); short protein forms L560F, L555F.
Identifiers: ClinVar variation 649806 (VCV000649806.8), dbSNP rs1414810082, ClinGen allele CA415124559.